The following is an entry in ClinVar:

NM_032578.4(MYPN):c.1313C>T (p.Thr438Ile)

Gene: MYPN (myopalladin; plus strand). Cytogenetic location: 10q21.3.
Variant type: single nucleotide variant.
Coding change: c.1313C>T on transcript NM_032578.4 (MANE Select); coding-DNA position 1313, C replaced by T.
Protein change: p.Thr438Ile; replaces threonine 438 with isoleucine.
Molecular consequence: missense variant. On other transcripts: non-coding transcript variant (2).
Genome position (GRCh38, 1-based): chr10:68,150,107, C>T. VCF-style: chr10-68150107-C-T. GRCh37 (hg19) VCF-style: chr10-69909864-C-T.
Other names: c.1313C>T, p.Thr438Ile (NM_001256267.2); c.431C>T, p.Thr144Ile (NM_001256268.2); short protein forms T438I, T144I.
Identifiers: ClinVar variation 393015 (VCV000393015.2), dbSNP rs1057524742, ClinGen allele CA16605666.
Genomic context (GRCh38, chr10:68,150,107, plus strand): 5'-GCCCCACCAATTACTTGCAGGGATTGGATGGAAAACCTATCATTGCAGCTCCTGTGTTTA[C>T]AAAGGTAATAAAAATATTACTTCTTTCTGTCATGGCTTTAAAGATACCACAGCACCCAAA-3'
Protein context (NP_115967.2, residues 428-448): GKPIIAAPVF[Thr438Ile]KMLQNLSASE

ClinVar aggregate classification (germline): Uncertain significance (1 of 4 stars; one submission).

Submission:

GeneDx
Classification: Uncertain significance. Last evaluated: 2017-01-16. Review status: criteria provided, single submitter. Criteria: GeneDx Variant Classification (06012015). Collection method: clinical testing. Allele origin: germline. Affected: yes.
Comment: A variant of uncertain significance has been identified in the MYPN gene. The T438I variant has not been published as a pathogenic variant, nor has it been reported as a benign variant to our knowledge. This variant was not observed in approximately 6,500 individuals of European and African American ancestry in the NHLBI Exome Sequencing Project, indicating it is not a common benign variant in these populations. The T438I variant is a non-conservative amino acid substitution, which is likely to impact secondary protein structure as these residues differ in polarity, charge, size and/or other properties. This substitution occurs at a position that is conserved across species, and in silico analysis predicts this variant is probably damaging to the protein structure/function. However, to our knowledge no studies have been performed to determine the functional effect of the T438I variant.